The following is an entry in ClinVar:

NM_021939.4(FKBP10):c.1160G>A (p.Arg387Gln)

Gene: FKBP10 (FKBP prolyl isomerase 10; plus strand). Cytogenetic location: 17q21.2.
Variant type: single nucleotide variant.
Coding change: c.1160G>A on transcript NM_021939.4 (MANE Select); coding-DNA position 1160, G replaced by A.
Protein change: p.Arg387Gln; replaces arginine 387 with glutamine.
Molecular consequence: missense variant.
Genome position (GRCh38, 1-based): chr17:41,820,365, G>A. VCF-style: chr17-41820365-G-A. GRCh37 (hg19) VCF-style: chr17-39976617-G-A.
Other names: short protein forms R387Q.
Identifiers: ClinVar variation 499912 (VCV000499912.14), dbSNP rs782107514, ClinGen allele CA8566533.
Genomic context (GRCh38, chr17:41,820,365, plus strand): 5'-ACGTCCATGTCATTGACTTCCACAACCCTGCGGATGTGGTGGAAATCAGGACACTGTCCC[G>A]GCCATCTGAGACCTGCAATGAGACCACCAAGCTTGGGGACTTTGTTCGATACCATTACAA-3'
Protein context (NP_068758.3, residues 377-397): ADVVEIRTLS[Arg387Gln]PSETCNETTK

ClinVar aggregate classification (germline): Uncertain significance. Review status: criteria provided, multiple submitters, no conflicts (2 of 4 stars). 3 submissions from 3 submitters: Uncertain significance (3). Last evaluated 2024-07-01.

Allele frequency attached by ClinVar (database versions not stated): gnomAD 0.00001; gnomAD exomes 0.00001 and 0.00002; ExAC 0.00002; TOPMed 0.00002.
gnomAD v4.1: 17 of 1,614,032 alleles (0.0011%); highest among the groups gnomAD compares: East Asian, 0.0067%; no homozygotes.

Submissions (3):

Women's Health and Genetics/Laboratory Corporation of America, LabCorp
Classification: Uncertain significance. Last evaluated: 2024-07-01. Review status: criteria provided, single submitter. Criteria: LabCorp Variant Classification Summary - May 2015. Collection method: clinical testing. Allele origin: germline.
Comment: Variant summary: FKBP10 c.1160G>A (p.Arg387Gln) results in a conservative amino acid change in the encoded protein sequence. Three of five in-silico tools predict a benign effect of the variant on protein function. The variant allele was found at a frequency of 2e-05 in 251480 control chromosomes. c.1160G>A has been reported in the literature in the homozygous state in at least one individual affected with Osteogenesis Imperfecta type I (e.g. Lin_2024). These data indicate that the variant may be associated with disease. To our knowledge, no experimental evidence demonstrating an impact on protein function has been reported. The following publication have been ascertained in the context of this evaluation (PMID: 37270749). ClinVar contains an entry for this variant (Variation ID: 499912). Based on the evidence outlined above, the variant was classified as VUS-possibly pathogenic.

ARUP Laboratories, Molecular Genetics and Genomics, ARUP Laboratories
Classification: Uncertain significance. Last evaluated: 2018-10-02. Review status: criteria provided, single submitter. Criteria: ARUP Molecular Germline Variant Investigation Process. Collection method: clinical testing. Allele origin: germline.
Comment: The FKBP10 c.1160G>A; p.Arg387Gln variant (rs782107514), to our knowledge, is not reported in the medical literature but is reported in ClinVar (Variation ID: 499912). This variant is found on five chromosomes in the Genome Aggregation Database, indicating it is not a common polymorphism. The arginine at codon 387 is moderately conserved, but computational analyses (SIFT, PolyPhen-2) predict that this variant is tolerated. However, due to limited information, the clinical significance of the p.Arg387Gln variant is uncertain at this time.

Eurofins Ntd Llc (ga)
Classification: Uncertain significance. Last evaluated: 2017-01-27. Review status: criteria provided, single submitter. Criteria: EGL Classification Definitions 2015. Collection method: clinical testing. Allele origin: germline. Observed: 1 variant allele, 1 heterozygote.

Literature cited by the submitters: PubMed 37270749 (cited by Women's Health and Genetics/Laboratory Corporation of America, LabCorp).